The following is an entry in ClinVar:

NM_001164508.2(NEB):c.6502T>C (p.Tyr2168His)

Gene: NEB (nebulin; minus strand). Cytogenetic location: 2q23.3.
Variant type: single nucleotide variant.
Coding change: c.6502T>C on transcript NM_001164508.2 (MANE Select); coding-DNA position 6502, T replaced by C.
Protein change: p.Tyr2168His; replaces tyrosine 2168 with histidine.
Molecular consequence: missense variant.
Genome position (GRCh38, 1-based): chr2:151,656,017, A>G on the plus strand (T>C on the coding strand, the complement: NEB is on the minus strand). VCF-style: chr2-151656017-A-G. GRCh37 (hg19) VCF-style: chr2-152512531-A-G.
Other names: c.6502T>C, p.Tyr2168His (NM_001164507.2, NM_001271208.2, NM_004543.5); short protein forms Y2168H.
Identifiers: ClinVar variation 2189652 (VCV002189652.1), dbSNP rs2099082400, ClinGen allele CA348798207.

ClinVar aggregate classification (germline): Uncertain significance (1 of 4 stars; one submission).

Conditions:
Nemaline myopathy 2 (NEM2). Also called: Nemaline myopathy 2, autosomal recessive. Identifiers: MedGen C1850569, MONDO:0009725, OMIM 256030.

Submission:

Labcorp Genetics (formerly Invitae), Labcorp
Classification: Uncertain significance for Nemaline myopathy 2. Last evaluated: 2022-01-01. Review status: criteria provided, single submitter. Criteria: Invitae Variant Classification Sherloc (09022015). Collection method: clinical testing. Allele origin: germline.
Comment: This sequence change replaces tyrosine, which is neutral and polar, with histidine, which is basic and polar, at codon 2168 of the NEB protein (p.Tyr2168His). This variant is not present in population databases (gnomAD no frequency). This variant has not been reported in the literature in individuals affected with NEB-related conditions. Algorithms developed to predict the effect of missense changes on protein structure and function are either unavailable or do not agree on the potential impact of this missense change (SIFT: "Deleterious"; PolyPhen-2: "Not Available"; Align-GVGD: "Class C0"). In summary, the available evidence is currently insufficient to determine the role of this variant in disease. Therefore, it has been classified as a Variant of Uncertain Significance.